The following is an entry in ClinVar:

ClinVar aggregate classification (germline): Benign/Likely benign. Review status: criteria provided, multiple submitters, no conflicts (2 of 4 stars). 4 submissions from 4 submitters: Benign (1); Likely benign (2). 1 of the submissions does not count toward it. Last evaluated 2026-01-27.

Conditions:
SUN1-related disorder. Also called: SUN1-related condition.
Emery-Dreifuss muscular dystrophy (EDMD). Also called: Scapuloperoneal syndrome, X-linked (formerly); Humeroperoneal neuromuscular disease, (formerly). Identifiers: Orphanet 261, MedGen C0410189, MONDO:0016830.

Allele frequency attached by ClinVar (database versions not stated): ESP Exome Variant Server 0.00093; 1000 Genomes Project 30x 0.00109; 1000 Genomes Project 0.00120; TOPMed 0.00161; gnomAD 0.00192 and 0.00203; ExAC 0.00219.
gnomAD v4.1: 4,401 of 1,614,144 alleles (0.27%); highest among the groups gnomAD compares: Non-Finnish European, 0.31%; 11 homozygotes.

Submissions (4):

Labcorp Genetics (formerly Invitae), Labcorp
Classification: Benign for Emery-Dreifuss muscular dystrophy. Last evaluated: 2026-01-27. Review status: criteria provided, single submitter. Criteria: Invitae Variant Classification Sherloc (09022015). Collection method: clinical testing. Allele origin: germline.

Mayo Clinic Laboratories, Mayo Clinic
Classification: Likely benign. Last evaluated: 2025-03-07. Review status: criteria provided, single submitter. Criteria: ACMG Guidelines, 2015. Collection method: clinical testing. Allele origin: germline. Observed: 1 variant allele.
Comment: BP4, BP7

CeGaT Center for Human Genetics Tuebingen
Classification: Likely benign. Last evaluated: 2023-03-01. Review status: criteria provided, single submitter. Criteria: CeGaT Center For Human Genetics Tuebingen Variant Classification Criteria Version 2. Collection method: clinical testing. Allele origin: germline. Affected: yes. Observed: 2 variant alleles.
Comment: SUN1: BP4, BP7

PreventionGenetics, part of Exact Sciences
Classification: Likely benign for SUN1-related condition. Last evaluated: 2019-08-20. Review status: no assertion criteria provided. Collection method: clinical testing. Allele origin: germline. Not counted in ClinVar's aggregate classification.
Comment: This variant is classified as likely benign based on ACMG/AMP sequence variant interpretation guidelines (Richards et al. 2015 PMID: 25741868, with internal and published modifications).

NM_001130965.3(SUN1):c.2250C>T (p.Pro750=)

Gene: SUN1 (Sad1 and UNC84 domain containing 1; plus strand). Cytogenetic location: 7p22.3.
Variant type: single nucleotide variant.
Coding change: c.2250C>T on transcript NM_001130965.3 (MANE Select); coding-DNA position 2250, C replaced by T.
Protein change: p.Pro750=; no amino-acid change (proline 750 retained).
Molecular consequence: synonymous variant. On other transcripts: nonsense (1), non-coding transcript variant (3).
Genome position (GRCh38, 1-based): chr7:873,223, C>T. VCF-style: chr7-873223-C-T. GRCh37 (hg19) VCF-style: chr7-912860-C-T.
Other names: p.Pro750=; c.1941C>T, p.Pro647= (NM_001171944.2); c.2250C>T, p.Pro750= (NM_001367633.1, NM_001367634.1); c.1899C>T, p.Pro633= (NM_001367635.1); c.2397C>T, p.Pro799= (NM_001367636.1); c.2358C>T, p.Pro786= (NM_001367638.1); c.1791C>T, p.Pro597= (NM_001367639.1); c.2430C>T, p.Pro810= (NM_001367640.1); and 57 more; short protein forms R753*.
Identifiers: ClinVar variation 461654 (VCV000461654.37), dbSNP rs61741990, ClinGen allele CA4112546.
Genomic context (GRCh38, chr7:873,223, plus strand): 5'-TGGGGTTATTAATATGAAATACATGTGTGTGTTTTTCCCACCTTGATTTCAGAAAAGACC[C>T]GACGACACAGCTTTCCAAATAGTGGAACTTCGGATTTTTTCTAACTGGGGCCATCCTGAG-3'
Protein context (NP_001124437.1, residues 740-760): SLQMFQALKR[Pro750=]DDTAFQIVEL